The following is an entry in ClinVar:

NM_018026.4(PACS1):c.1079G>A (p.Arg360Gln)

Gene: PACS1 (phosphofurin acidic cluster sorting protein 1; plus strand). Cytogenetic location: 11q13.2.
Variant type: single nucleotide variant.
Coding change: c.1079G>A on transcript NM_018026.4 (MANE Select); coding-DNA position 1079, G replaced by A.
Protein change: p.Arg360Gln; replaces arginine 360 with glutamine.
Molecular consequence: missense variant.
Genome position (GRCh38, 1-based): chr11:66,220,671, G>A. VCF-style: chr11-66220671-G-A. GRCh37 (hg19) VCF-style: chr11-65988142-G-A.
Other names: short protein forms R360Q.
Identifiers: ClinVar variation 1187803 (VCV001187803.5), dbSNP rs756287691, ClinGen allele CA6116478.
Genomic context (GRCh38, chr11:66,220,671, plus strand): 5'-AGACTCCTTTTTCCCTGCAGGTGGGCTTTGGGCTGGAGCATGTGTCCCGCGAGCAGATCC[G>A]GGAAGTGGAAGAGGACTTGGATGAATTGTATGACAGTCTGGAGATGTACAACCCCAGCGA-3'
Protein context (NP_060496.2, residues 350-370): GLEHVSREQI[Arg360Gln]EVEEDLDELY

ClinVar aggregate classification (germline): Conflicting classifications of pathogenicity. Review status: criteria provided, conflicting classifications (1 of 4 stars). 2 submissions from 2 submitters: Uncertain significance (1); Likely benign (1). Last evaluated 2024-02-14.

Conditions:
Schuurs-Hoeijmakers syndrome. Also called: PACS1-Related Neurodevelopmental Disorder. Identifiers: Orphanet 329224, MedGen C3554343, MONDO:0014006, OMIM 615009.

Allele frequency attached by ClinVar (database versions not stated): ExAC 0.00003; gnomAD 0.00005 and 0.00006; TOPMed 0.00005; gnomAD exomes 0.00002 and 0.00004.
gnomAD v4.1: 31 of 1,614,062 alleles (0.0019%); highest among the groups gnomAD compares: Admixed American, 0.017%; 1 homozygote.

Submissions (2):

Labcorp Genetics (formerly Invitae), Labcorp
Classification: Uncertain significance for Schuurs-Hoeijmakers syndrome. Last evaluated: 2024-02-14. Review status: criteria provided, single submitter. Criteria: Invitae Variant Classification Sherloc (09022015). Collection method: clinical testing. Allele origin: germline.
Comment: This sequence change replaces arginine, which is basic and polar, with glutamine, which is neutral and polar, at codon 360 of the PACS1 protein (p.Arg360Gln). This variant is present in population databases (rs756287691, gnomAD 0.02%). This variant has not been reported in the literature in individuals affected with PACS1-related conditions. ClinVar contains an entry for this variant (Variation ID: 1187803). Advanced modeling of protein sequence and biophysical properties (such as structural, functional, and spatial information, amino acid conservation, physicochemical variation, residue mobility, and thermodynamic stability) performed at Invitae indicates that this missense variant is not expected to disrupt PACS1 protein function with a negative predictive value of 80%. In summary, the available evidence is currently insufficient to determine the role of this variant in disease. Therefore, it has been classified as a Variant of Uncertain Significance.

GeneDx
Classification: Likely benign. Last evaluated: 2021-01-13. Review status: criteria provided, single submitter. Criteria: GeneDx Variant Classification Process June 2021. Collection method: clinical testing. Allele origin: germline. Affected: yes.
Comment: In silico analysis supports that this missense variant does not alter protein structure/function; Has not been previously published as pathogenic or benign to our knowledge